The following is an entry in ClinVar:

NM_014625.4(NPHS2):c.370T>C (p.Cys124Arg)

Gene: NPHS2 (NPHS2 stomatin family member, podocin; minus strand). Cytogenetic location: 1q25.2.
Variant type: single nucleotide variant.
Coding change: c.370T>C on transcript NM_014625.4 (MANE Select); coding-DNA position 370, T replaced by C.
Protein change: p.Cys124Arg; replaces cysteine 124 with arginine.
Molecular consequence: missense variant.
Genome position (GRCh38, 1-based): chr1:179,564,698, A>G on the plus strand (T>C on the coding strand, the complement: NPHS2 is on the minus strand). VCF-style: chr1-179564698-A-G. GRCh37 (hg19) VCF-style: chr1-179533833-A-G.
Other names: c.370T>C, p.Cys124Arg (NM_001297575.2); short protein forms C124R.
Identifiers: ClinVar variation 1939980 (VCV001939980.7), dbSNP rs2526313561, ClinGen allele CA343570783.
Genomic context (GRCh38, chr1:179,564,698, plus strand): 5'-GGCCAGTGAGAGGCCTCAGGAAATTACCTATTGGGTCCTTATGGAATCTCACCTTTACGC[A>G]GAACCAGATGGAAAAAGGGAAGGTCATGATGATGAAGAGCAGGGAAATGAGGACAAGAAG-3'
Protein context (NP_055440.1, residues 114-134): IMTFPFSIWF[Cys124Arg]VKVVQEYERV

ClinVar aggregate classification (germline): Pathogenic (1 of 4 stars; one submission).

Submission:

Labcorp Genetics (formerly Invitae), Labcorp
Classification: Pathogenic. Last evaluated: 2023-05-19. Review status: criteria provided, single submitter. Criteria: Invitae Variant Classification Sherloc (09022015). Collection method: clinical testing. Allele origin: germline.
Comment: For these reasons, this variant has been classified as Pathogenic. Advanced modeling of protein sequence and biophysical properties (such as structural, functional, and spatial information, amino acid conservation, physicochemical variation, residue mobility, and thermodynamic stability) performed at Invitae indicates that this missense variant is expected to disrupt NPHS2 protein function. ClinVar contains an entry for this variant (Variation ID: 1939980). This missense change has been observed in individual(s) with nephrotic syndrome (PMID: 33428103, 34031707). In at least one individual the data is consistent with being in trans (on the opposite chromosome) from a pathogenic variant. This variant is not present in population databases (gnomAD no frequency). This sequence change replaces cysteine, which is neutral and slightly polar, with arginine, which is basic and polar, at codon 124 of the NPHS2 protein (p.Cys124Arg).

Literature cited by the submitters: PubMed 33428103; PubMed 34031707.